The following is an entry in ClinVar:

ClinVar aggregate classification (germline): Uncertain significance (1 of 4 stars; one submission).

Conditions:
Myopathy, proximal, and ophthalmoplegia (CMYO6). Also called: MYOPATHY WITH CONGENITAL JOINT CONTRACTURES, OPHTHALMOPLEGIA, AND RIMMED VACUOLES; CONGENITAL MYOPATHY 6 WITH OPHTHALMOPLEGIA; INCLUSION BODY MYOPATHY 3, AUTOSOMAL DOMINANT. Identifiers: Orphanet 363677, Orphanet 79091, MedGen C1854106, MONDO:0011577, OMIM 605637.

Submission:

Labcorp Genetics (formerly Invitae), Labcorp
Classification: Uncertain significance for Myopathy, proximal, and ophthalmoplegia. Last evaluated: 2025-02-13. Review status: criteria provided, single submitter. Criteria: Invitae Variant Classification Sherloc (09022015). Collection method: clinical testing. Allele origin: germline.
Comment: This sequence change replaces methionine, which is neutral and non-polar, with valine, which is neutral and non-polar, at codon 1180 of the MYH2 protein (p.Met1180Val). This variant is not present in population databases (gnomAD no frequency). This variant has not been reported in the literature in individuals affected with MYH2-related conditions. Invitae Evidence Modeling of protein sequence and biophysical properties (such as structural, functional, and spatial information, amino acid conservation, physicochemical variation, residue mobility, and thermodynamic stability) indicates that this missense variant is not expected to disrupt MYH2 protein function with a negative predictive value of 80%. In summary, the available evidence is currently insufficient to determine the role of this variant in disease. Therefore, it has been classified as a Variant of Uncertain Significance.

NM_017534.6(MYH2):c.3538A>G (p.Met1180Val)

Genes: MYH2 (myosin heavy chain 2; minus strand), MYHAS (myosin heavy chain gene cluster antisense RNA; plus strand). Cytogenetic location: 17p13.1.
Variant type: single nucleotide variant.
Coding change: c.3538A>G on transcript NM_017534.6 (MANE Select); coding-DNA position 3538, A replaced by G.
Protein change: p.Met1180Val; replaces methionine 1180 with valine.
Molecular consequence: missense variant.
Genome position (GRCh38, 1-based): chr17:10,528,896, T>C on the plus strand (A>G on the coding strand, the complement: MYH2 is on the minus strand). VCF-style: chr17-10528896-T-C. GRCh37 (hg19) VCF-style: chr17-10432213-T-C.
Other names: c.3538A>G, p.Met1180Val (NM_001100112.2); short protein forms M1180V.
Identifiers: ClinVar variation 4763027 (VCV004763027.1).